The following is an entry in ClinVar:

ClinVar aggregate classification (germline): Uncertain significance. Review status: criteria provided, multiple submitters, no conflicts (2 of 4 stars). 3 submissions from 3 submitters: Uncertain significance (3). Last evaluated 2024-04-05.

Conditions:
Familial melanoma. Also called: Hereditary melanoma; Hereditary cutaneous melanoma. Identifiers: Orphanet 618, MedGen C1512419, MONDO:0018961.
Hereditary cancer-predisposing syndrome. Also called: Hereditary neoplastic syndrome; Neoplastic Syndromes, Hereditary; Hereditary Cancer Syndrome; Tumor predisposition. Identifiers: Orphanet 140162, MedGen C0027672, MeSH D009386, MONDO:0015356.

Submissions (3):

Blueprint Genetics
Classification: Uncertain significance. Last evaluated: 2024-04-05. Review status: criteria provided, single submitter. Criteria: ACMG Guidelines, 2015. Collection method: clinical testing. Allele origin: germline.

Ambry Genetics
Classification: Uncertain significance for Hereditary cancer-predisposing syndrome. Last evaluated: 2022-03-11. Review status: criteria provided, single submitter. Criteria: Ambry Variant Classification Scheme 2023. Collection method: clinical testing. Allele origin: germline.
Comment: The p.S56N variant (also known as c.167G>A), located in coding exon 2 of the CDKN2A gene, results from a G to A substitution at nucleotide position 167. The serine at codon 56 is replaced by asparagine, an amino acid with highly similar properties. This amino acid position is not well conserved in available vertebrate species. In addition, this alteration is predicted to be tolerated by in silico analysis. Since supporting evidence is limited at this time, the clinical significance of this alteration remains unclear.

Labcorp Genetics (formerly Invitae), Labcorp
Classification: Uncertain significance for Familial melanoma. Last evaluated: 2017-03-13. Review status: criteria provided, single submitter. Criteria: Invitae Variant Classification Sherloc (09022015). Collection method: clinical testing. Allele origin: germline.
Comment: A different missense substitution at this codon (p.Ser56Ile) has been determined to be pathogenic (PMID: 9425228, 21462282, 9516223, 17492760, 12072543, 15150307, 22841127, 15235029, 20340136). This suggests that the serine residue is critical for CDKN2A protein function and that other missense substitutions at this position may also be pathogenic. This variant is not present in population databases (ExAC no frequency) and has not been reported in the literature in individuals with a CDKN2A-related disease. Algorithms developed to predict the effect of missense changes on protein structure and function output the following: SIFT: "Deleterious"; PolyPhen-2: "Benign"; Align-GVGD: "Class C0". The asparagine amino acid residue is found in multiple mammalian species, suggesting that this missense change does not adversely affect protein function. These predictions have not been confirmed by published functional studies. In summary, this variant is a novel missense change with an uncertain impact on protein function. There is no indication that it causes disease, but the available evidence is currently insufficient to prove that conclusively. Therefore, without additional functional and/or genetic data, this variant has been classified as Variant of Uncertain Significance. This sequence change replaces serine with asparagine at codon 56 of the CDKN2A protein (p.Ser56Asn). The serine residue is highly conserved and there is a small physicochemical difference between serine and asparagine.

Literature cited by the submitters: PubMed 9425228 (cited by Labcorp Genetics (formerly Invitae), Labcorp); PubMed 21462282 (cited by Labcorp Genetics (formerly Invitae), Labcorp); PubMed 9516223 (cited by Labcorp Genetics (formerly Invitae), Labcorp); PubMed 17492760 (cited by Labcorp Genetics (formerly Invitae), Labcorp); PubMed 12072543 (cited by Labcorp Genetics (formerly Invitae), Labcorp); PubMed 15150307 (cited by Labcorp Genetics (formerly Invitae), Labcorp); PubMed 22841127 (cited by Labcorp Genetics (formerly Invitae), Labcorp); PubMed 15235029 (cited by Labcorp Genetics (formerly Invitae), Labcorp); PubMed 20340136 (cited by Labcorp Genetics (formerly Invitae), Labcorp).

NM_000077.5(CDKN2A):c.167G>A (p.Ser56Asn)

Gene: CDKN2A (cyclin dependent kinase inhibitor 2A; minus strand). Cytogenetic location: 9p21.3.
Variant type: single nucleotide variant.
Coding change: c.167G>A on transcript NM_000077.5; coding-DNA position 167, G replaced by A.
Protein change: p.Ser56Asn; replaces serine 56 with asparagine.
Molecular consequence: missense variant (on NM_000077.6). On other transcripts: synonymous variant (1), 3 prime UTR variant (1).
Genome position (GRCh38, 1-based): chr9:21,971,192, C>T on the plus strand (G>A on the coding strand, the complement: CDKN2A is on the minus strand). VCF-style: chr9-21971192-C-T. GRCh37 (hg19) VCF-style: chr9-21971191-C-T.
Other names: c.167G>A, p.Ser56Asn (NM_000077.6, NM_001195132.2); c.14G>A, p.Ser5Asn (NM_001363763.2); c.210G>A, p.Gln70= (NM_058195.4); c.*90G>A (NM_058197.5); short protein forms S56N, S5N.
Identifiers: ClinVar variation 463487 (VCV000463487.10), dbSNP rs104894109, ClinGen allele CA373086422.